The following is an entry in ClinVar:

NM_000548.5(TSC2):c.4006-12G>A

Gene: TSC2 (TSC complex subunit 2; plus strand). Cytogenetic location: 16p13.3.
Variant type: single nucleotide variant.
Coding change: c.4006-12G>A on transcript NM_000548.5 (MANE Select); 12 bases into the intron before coding-DNA position 4006, G replaced by A.
Molecular consequence: intron variant.
Genome position (GRCh38, 1-based): chr16:2,084,216, G>A. VCF-style: chr16-2084216-G-A. GRCh37 (hg19) VCF-style: chr16-2134217-G-A.
Other names: c.3937-12G>A (NM_001114382.3); c.3877-12G>A (NM_021055.3, NM_001370405.1); c.3808-12G>A (NM_001363528.2); c.3874-12G>A (NM_001370404.1); c.3805-12G>A (NM_001077183.3); c.3697-12G>A (NM_001318827.2); c.3274-12G>A (NM_001318831.2); c.3661-12G>A (NM_001318829.2); and 1 more.
Identifiers: ClinVar variation 392438 (VCV000392438.3), dbSNP rs1057524490, ClinGen allele CA16606954.
Genomic context (GRCh38, chr16:2,084,216, plus strand): 5'-CCTCCAGGTCAACCCCAGGTGGGCTCGAGGGTGCCTGCTGACAGGGGTTCTCTTTGGGAT[G>A]GTCCTTTCTAGTCGTCCTCAGTCTCCAGCCAGGAGGAGAAGTCGCTCCACGCGGAGGAGC-3'

ClinVar aggregate classification (germline): Conflicting classifications of pathogenicity. Review status: criteria provided, conflicting classifications (1 of 4 stars). 2 submissions from 2 submitters: Uncertain significance (1); Likely benign (1). Last evaluated 2024-10-31.

Conditions:
Tuberous sclerosis 2 (TSC2). Identifiers: Orphanet 805, MedGen C1860707, MONDO:0013199, OMIM 613254.

Submissions (2):

Labcorp Genetics (formerly Invitae), Labcorp
Classification: Uncertain significance for Tuberous sclerosis 2. Last evaluated: 2024-10-31. Review status: criteria provided, single submitter. Criteria: Invitae Variant Classification Sherloc (09022015). Collection method: clinical testing. Allele origin: germline.
Comment: This sequence change falls in intron 33 of the TSC2 gene. It does not directly change the encoded amino acid sequence of the TSC2 protein. This variant is not present in population databases (gnomAD no frequency). This variant has not been reported in the literature in individuals affected with TSC2-related conditions. ClinVar contains an entry for this variant (Variation ID: 392438). Algorithms developed to predict the effect of sequence changes on RNA splicing suggest that this variant may disrupt the consensus splice site. In summary, the available evidence is currently insufficient to determine the role of this variant in disease. Therefore, it has been classified as a Variant of Uncertain Significance.

GeneDx
Classification: Likely benign. Last evaluated: 2016-12-29. Review status: criteria provided, single submitter. Criteria: GeneDx Variant Classification (06012015). Collection method: clinical testing. Allele origin: germline. Affected: yes.
Comment: This variant is considered likely benign or benign based on one or more of the following criteria: it is a conservative change, it occurs at a poorly conserved position in the protein, it is predicted to be benign by multiple in silico algorithms, and/or has population frequency not consistent with disease.